The following is an entry in ClinVar:

ClinVar aggregate classification (germline): Benign/Likely benign. Review status: criteria provided, multiple submitters, no conflicts (2 of 4 stars). 4 submissions from 4 submitters: Benign (3); Likely benign (1). Last evaluated 2026-01-28.

Conditions:
Familial thoracic aortic aneurysm and aortic dissection (TAAD). Also called: Thoracic aortic aneurysms and dissections. Identifiers: Orphanet 91387, MedGen C4707243, MONDO:0019625.
Marfan syndrome (MFS). Also called: Marfan syndrome, classic; Marfan syndrome type 1; Marfan's syndrome; FBN1-Related Marfan Syndrome; MARFAN SYNDROME, TYPE I. Identifiers: Orphanet 284963, Orphanet 558, MedGen C0024796, MONDO:0007947, OMIM 154700.

Submissions (4):

Labcorp Genetics (formerly Invitae), Labcorp
Classification: Benign for Marfan syndrome; Familial thoracic aortic aneurysm and aortic dissection. Last evaluated: 2026-01-28. Review status: criteria provided, single submitter. Criteria: Invitae Variant Classification Sherloc (09022015). Collection method: clinical testing. Allele origin: germline.

Women's Health and Genetics/Laboratory Corporation of America, LabCorp
Classification: Benign. Last evaluated: 2024-12-19. Review status: criteria provided, single submitter. Criteria: LabCorp Variant Classification Summary - May 2015. Collection method: clinical testing. Allele origin: germline.
Comment: Variant summary: FBN1 c.2729-9dupT alters a non-conserved nucleotide located at a position not widely known to affect splicing. Consensus agreement among computation tools predict no significant impact on normal splicing. However, these predictions have yet to be confirmed by functional studies. The variant allele was found at a frequency of 0.00027 in 1554964 control chromosomes. The observed variant frequency is approximately 2-fold of the estimated maximal expected allele frequency for a pathogenic variant in FBN1 causing Marfan Syndrome phenotype (0.00011) (gnomAD v4). To our knowledge, no occurrence of c.2729-9dupT in individuals affected with Marfan Syndrome and no experimental evidence demonstrating its impact on protein function have been reported. ClinVar contains an entry for this variant (Variation ID: 927964). Based on the evidence outlined above, the variant was classified as benign.

Blueprint Genetics
Classification: Benign. Last evaluated: 2024-09-12. Review status: criteria provided, single submitter. Criteria: ACMG Guidelines, 2015. Collection method: clinical testing. Allele origin: germline.

Color Diagnostics, LLC DBA Color Health
Classification: Likely benign for Familial thoracic aortic aneurysm and aortic dissection. Last evaluated: 2018-11-16. Review status: criteria provided, single submitter. Criteria: ACMG Guidelines, 2015. Collection method: clinical testing. Allele origin: germline.

NM_000138.5(FBN1):c.2729-17dup

Gene: FBN1 (fibrillin 1; minus strand). Cytogenetic location: 15q21.1.
Variant type: Duplication.
Coding change: c.2729-17dup on transcript NM_000138.5 (MANE Select); 17 bases into the intron before coding-DNA position 2729, one base duplicated (T; older notation c.2729-17dupT).
Molecular consequence: intron variant.
Genome position (GRCh38, 1-based): chr15:48,492,595, A duplicated on the plus strand (T on the coding strand, the reverse complement: FBN1 is on the minus strand); the first of 9 consecutive A bases (chr15:48,492,595-48,492,603); duplicating any one gives the same sequence. VCF-style (leftmost placement, unchanged base first): chr15-48492594-G-GA. GRCh37 (hg19) VCF-style: chr15-48784791-G-GA.
Other names: c.2729-9dupT (NM_000138.5, NM_000138.4).
Identifiers: ClinVar variation 927964 (VCV000927964.13), dbSNP rs35314876, ClinGen allele CA7547929.